The following is an entry in ClinVar:

ClinVar aggregate classification (germline): Uncertain significance (1 of 4 stars; one submission).

Submission:

Dasa
Classification: Uncertain significance. Last evaluated: 2024-12-06. Review status: criteria provided, single submitter. Criteria: DASA Assertion Criteria. Collection method: clinical testing. Allele origin: germline.
Comment: NM_001170629.2(CHD8):c.458C>G (p.Pro153Arg) is a missense variant that results in the substitution of proline with arginine. This variant is absent from population databases. Computational prediction algorithms are consistent with a benign effect. The currently available literature and clinical evidence are not sufficient to establish a definitive association between this variant and the reported condition. Therefore, this variant is classified as a variant of uncertain significance.

NM_001170629.2(CHD8):c.458C>G (p.Pro153Arg)

Gene: CHD8 (chromodomain helicase DNA binding protein 8; minus strand). Cytogenetic location: 14q11.2.
Variant type: single nucleotide variant.
Coding change: c.458C>G on transcript NM_001170629.2 (MANE Select); coding-DNA position 458, C replaced by G.
Protein change: p.Pro153Arg; replaces proline 153 with arginine.
Molecular consequence: missense variant. On other transcripts: intron variant (1).
Genome position (GRCh38, 1-based): chr14:21,431,186, G>C on the plus strand (C>G on the coding strand, the complement: CHD8 is on the minus strand). VCF-style: chr14-21431186-G-C. GRCh37 (hg19) VCF-style: chr14-21899345-G-C.
Other names: c.6+625C>G (NM_020920.4); short protein forms P153R.
Identifiers: ClinVar variation 4882952 (VCV004882952.2).